The following is an entry in ClinVar:

ClinVar aggregate classification (germline): Uncertain significance (1 of 4 stars; one submission).

Conditions:
Pulmonary fibrosis and/or bone marrow failure, Telomere-related, 3. Also called: PULMONARY FIBROSIS AND/OR BONE MARROW FAILURE SYNDROME, TELOMERE-RELATED, 3. Identifiers: Orphanet 2032, MedGen C4225346, MONDO:0014613, OMIM 616373.
Dyskeratosis congenita, autosomal recessive 5 (DKCB5). Identifiers: MedGen C3554656, MONDO:0014076, OMIM 615190.

Allele frequency attached by ClinVar (database versions not stated): gnomAD exomes below 0.00001 and 0.00001; gnomAD 0.00001; TOPMed 0.00002.
gnomAD v4.1: 9 of 1,605,706 alleles (0.00056%); highest among the groups gnomAD compares: Admixed American, 0.0034%; no homozygotes.

Submission:

Labcorp Genetics (formerly Invitae), Labcorp
Classification: Uncertain significance for Dyskeratosis congenita, autosomal recessive 5; Pulmonary fibrosis and/or bone marrow failure, Telomere-related, 3. Last evaluated: 2021-09-24. Review status: criteria provided, single submitter. Criteria: Invitae Variant Classification Sherloc (09022015). Collection method: clinical testing. Allele origin: germline.
Comment: This sequence change replaces valine with isoleucine at codon 472 of the RTEL1 protein (p.Val472Ile). The valine residue is highly conserved and there is a small physicochemical difference between valine and isoleucine. This variant is not present in population databases (ExAC no frequency). This variant has not been reported in the literature in individuals with RTEL1-related conditions. Algorithms developed to predict the effect of missense changes on protein structure and function are either unavailable or do not agree on the potential impact of this missense change (SIFT: "Tolerated"; PolyPhen-2: "Possibly Damaging"; Align-GVGD: "Class C0"). In summary, the available evidence is currently insufficient to determine the role of this variant in disease. Therefore, it has been classified as a Variant of Uncertain Significance.

NM_001283009.2(RTEL1):c.1414G>A (p.Val472Ile)

Genes: RTEL1 (regulator of telomere elongation helicase 1; plus strand), RTEL1-TNFRSF6B (RTEL1-TNFRSF6B readthrough (NMD candidate); plus strand). Cytogenetic location: 20q13.33.
Variant type: single nucleotide variant.
Coding change: c.1414G>A on transcript NM_001283009.2 (MANE Select); coding-DNA position 1414, G replaced by A.
Protein change: p.Val472Ile; replaces valine 472 with isoleucine.
Molecular consequence: missense variant. On other transcripts: non-coding transcript variant (1).
Genome position (GRCh38, 1-based): chr20:63,687,703, G>A. VCF-style: chr20-63687703-G-A. GRCh37 (hg19) VCF-style: chr20-62319056-G-A.
Other names: c.745G>A, p.Val249Ile (NM_001283010.1); c.1414G>A, p.Val472Ile (NM_016434.4); c.1486G>A, p.Val496Ile (NM_032957.5); short protein forms V249I, V472I, V496I.
Identifiers: ClinVar variation 1395067 (VCV001395067.5), dbSNP rs941024707, ClinGen allele CA317510161.
Genomic context (GRCh38, chr20:63,687,703, plus strand): 5'-GTGCTGAGCTACTGGTGCTTCAGTCCCGGCCACAGCATGCACGAGCTGGTCCGCCAGGGC[G>A]TCCGCTCCCTCATCCTTACCAGCGGCACGCTGGCCCCGGTGTCCTCCTTTGCTCTGGAGA-3'
Protein context (NP_001269938.1, residues 462-482): HSMHELVRQG[Val472Ile]RSLILTSGTL